The following is an entry in ClinVar:

NM_000455.5(STK11):c.1108+521C>T

Gene: STK11 (serine/threonine kinase 11; plus strand). Cytogenetic location: 19p13.3.
Variant type: single nucleotide variant.
Coding change: c.1108+521C>T on transcript NM_000455.5 (MANE Select); 521 bases into the intron after coding-DNA position 1108, C replaced by T.
Molecular consequence: intron variant.
Genome position (GRCh38, 1-based): chr19:1,223,693, C>T. VCF-style: chr19-1223693-C-T. GRCh37 (hg19) VCF-style: chr19-1223692-C-T.
Identifiers: ClinVar variation 1694879 (VCV001694879.31), dbSNP rs572562074, ClinGen allele CA304029449.

ClinVar aggregate classification (germline): Likely benign (1 of 4 stars; one submission).

Allele frequency attached by ClinVar (database versions not stated): gnomAD 0.00001 and 0.00002; TOPMed 0.00002; gnomAD exomes 0.00005; 1000 Genomes Project 30x 0.00016; 1000 Genomes Project 0.00020.
gnomAD v4.1: 44 of 1,044,034 alleles (0.0042%); highest among the groups gnomAD compares: East Asian, 0.12%; no homozygotes.

Submission:

CeGaT Center for Human Genetics Tuebingen
Classification: Likely benign. Last evaluated: 2026-09-01. Review status: criteria provided, single submitter. Criteria: CeGaT Center For Human Genetics Tuebingen Variant Classification Criteria Version 2. Collection method: clinical testing. Allele origin: germline. Affected: yes. Observed: 3 variant alleles.
Comment: STK11: BS1